The following is an entry in ClinVar:

ClinVar aggregate classification (germline): Conflicting classifications of pathogenicity. Review status: criteria provided, conflicting classifications (1 of 4 stars). 3 submissions from 3 submitters: Uncertain significance (2); Likely benign (1). Last evaluated 2026-02-04.

Conditions:
Legius syndrome. Identifiers: Orphanet 137605, MedGen C1969623, MONDO:0012669, OMIM 611431. Disease mechanism: loss of function.

Allele frequency attached by ClinVar (database versions not stated): gnomAD 0.00001; TOPMed 0.00001; gnomAD exomes 0.00002 and 0.00004; ExAC 0.00008.

Submissions (3):

Labcorp Genetics (formerly Invitae), Labcorp
Classification: Uncertain significance for Legius syndrome. Last evaluated: 2026-02-04. Review status: criteria provided, single submitter. Criteria: Invitae Variant Classification Sherloc (09022015). Collection method: clinical testing. Allele origin: germline.
Comment: This sequence change replaces methionine, which is neutral and non-polar, with isoleucine, which is neutral and non-polar, at codon 188 of the SPRED1 protein (p.Met188Ile). This variant is present in population databases (rs202092705, gnomAD 0.008%). This variant has not been reported in the literature in individuals affected with SPRED1-related conditions. ClinVar contains an entry for this variant (Variation ID: 315733). Invitae Evidence Modeling of protein sequence and biophysical properties (such as structural, functional, and spatial information, amino acid conservation, physicochemical variation, residue mobility, and thermodynamic stability) indicates that this missense variant is not expected to disrupt SPRED1 protein function with a negative predictive value of 80%. In summary, the available evidence is currently insufficient to determine the role of this variant in disease. Therefore, it has been classified as a Variant of Uncertain Significance.

Blueprint Genetics
Classification: Likely benign. Last evaluated: 2024-02-21. Review status: criteria provided, single submitter. Criteria: ACMG Guidelines, 2015. Collection method: clinical testing. Allele origin: germline.

Illumina Laboratory Services, Illumina
Classification: Uncertain significance for Legius syndrome. Last evaluated: 2018-01-13. Review status: criteria provided, single submitter. Criteria: ICSL Variant Classification Criteria 13 December 2019. Collection method: clinical testing. Allele origin: germline.

NM_152594.3(SPRED1):c.564G>A (p.Met188Ile)

Gene: SPRED1 (sprouty related EVH1 domain containing 1; plus strand). Cytogenetic location: 15q14.
Variant type: single nucleotide variant.
Coding change: c.564G>A on transcript NM_152594.3 (MANE Select); coding-DNA position 564, G replaced by A.
Protein change: p.Met188Ile; replaces methionine 188 with isoleucine.
Molecular consequence: missense variant.
Genome position (GRCh38, 1-based): chr15:38,339,877, G>A. VCF-style: chr15-38339877-G-A. GRCh37 (hg19) VCF-style: chr15-38632078-G-A.
Other names: short protein forms M188I.
Identifiers: ClinVar variation 315733 (VCV000315733.11), dbSNP rs202092705, ClinGen allele CA7470110.